The following is an entry in ClinVar:

ClinVar aggregate classification (germline): Pathogenic/Likely pathogenic. Review status: criteria provided, multiple submitters, no conflicts (2 of 4 stars). 4 submissions from 4 submitters: Pathogenic (2); Likely pathogenic (2). Last evaluated 2024-03-29.

Conditions:
MPIG6B-related disorder. Also called: MPIG6B-related condition.
Thrombocytopenia, anemia, and myelofibrosis (THAMY). Identifiers: MedGen C4479504, MONDO:0044316, OMIM 617441.

gnomAD v4.1: 7 of 1,613,440 alleles (0.00043%); highest among the groups gnomAD compares: African/African-American, 0.0027%; no homozygotes.

Submissions (4):

Genomic Medicine Center of Excellence, King Faisal Specialist Hospital and Research Centre
Classification: Likely pathogenic for Thrombocytopenia, anemia, and myelofibrosis. Last evaluated: 2024-03-29. Review status: criteria provided, single submitter. Criteria: ACMG Guidelines, 2015. Collection method: clinical testing. Allele origin: germline.

Blueprint Genetics
Classification: Likely pathogenic for MPIG6B-related disorders. Last evaluated: 2021-10-21. Review status: criteria provided, single submitter. Criteria: ACMG Guidelines, 2015. Collection method: clinical testing. Allele origin: germline. Affected: yes. Observed: 3 variant alleles.

Labcorp Genetics (formerly Invitae), Labcorp
Classification: Pathogenic. Last evaluated: 2018-12-13. Review status: criteria provided, single submitter. Criteria: Invitae Variant Classification Sherloc (09022015). Collection method: clinical testing. Allele origin: germline.
Comment: For these reasons, this variant has been classified as Pathogenic. Loss-of-function variants in C6orf25 are known to be pathogenic (PMID: 23112346, 27743390). This variant has not been reported in the literature in individuals with C6orf25-related conditions. This variant is not present in population databases (ExAC no frequency). This sequence change creates a premature translational stop signal (p.Arg175*) in the C6orf25 gene. It is expected to result in an absent or disrupted protein product.

Juno Genomics, Hangzhou Juno Genomics, Inc
Classification: Pathogenic for Thrombocytopenia, anemia, and myelofibrosis. Review status: criteria provided, single submitter. Criteria: ACMG Guidelines, 2015. Collection method: clinical testing. Allele origin: germline.
Comment: Absent from controls (or at extremely low frequency if recessive) in Genome Aggregation Database.;Null variant in a gene where loss of function (LOF) is a known mechanism of disease.;For recessive disorders, detected in trans with a pathogenic variant.;Patient's phenotype or family history is highly specific for a disease with a single genetic etiology.

Literature cited by the submitters: PubMed 23112346 (cited by Labcorp Genetics (formerly Invitae), Labcorp); PubMed 27743390 (cited by Labcorp Genetics (formerly Invitae), Labcorp).

NM_138272.3(MPIG6B):c.523C>T (p.Arg175Ter)

Gene: MPIG6B (megakaryocyte and platelet inhibitory receptor G6b; plus strand). Cytogenetic location: 6p21.33.
Variant type: single nucleotide variant.
Coding change: c.523C>T on transcript NM_138272.3 (MANE Select); coding-DNA position 523, C replaced by T.
Protein change: p.Arg175Ter; replaces arginine 175 with a stop codon.
Molecular consequence: nonsense. On other transcripts: synonymous variant (1), intron variant (2).
Genome position (GRCh38, 1-based): chr6:31,724,609, C>T. VCF-style: chr6-31724609-C-T. GRCh37 (hg19) VCF-style: chr6-31692386-C-T.
Other names: c.523C>T, p.Arg175Ter (NM_025260.4, NM_138277.3); c.432C>T, p.Phe144= (NM_138273.3); c.410-137C>T (NM_138274.3); c.410-156C>T (NM_138275.3); short protein forms R175*.
Identifiers: ClinVar variation 660958 (VCV000660958.11), dbSNP rs11575845, ClinGen allele CA136874626.